The following is an entry in ClinVar:

ClinVar aggregate classification (germline): Conflicting classifications of pathogenicity. Review status: criteria provided, conflicting classifications (1 of 4 stars). 2 submissions from 2 submitters: Uncertain significance (1); Benign (1). Last evaluated 2025-02-27.

Conditions:
Tuberous sclerosis 2 (TSC2). Identifiers: Orphanet 805, MedGen C1860707, MONDO:0013199, OMIM 613254.
Hereditary cancer-predisposing syndrome. Also called: Neoplastic Syndromes, Hereditary; Tumor predisposition; Hereditary Cancer Syndrome; Hereditary neoplastic syndrome. Identifiers: Orphanet 140162, MedGen C0027672, MeSH D009386, MONDO:0015356.

Allele frequency attached by ClinVar (database versions not stated): TOPMed below 0.00001; ExAC 0.00001; gnomAD 0.00001; ESP Exome Variant Server 0.00008.
gnomAD v4.1: 1 of 1,612,668 alleles (0.000062%); highest among the groups gnomAD compares: African/African-American, 0.0013%; no homozygotes.

Submissions (2):

Labcorp Genetics (formerly Invitae), Labcorp
Classification: Benign for Tuberous sclerosis 2. Last evaluated: 2025-02-27. Review status: criteria provided, single submitter. Criteria: Invitae Variant Classification Sherloc (09022015). Collection method: clinical testing. Allele origin: germline.

Ambry Genetics
Classification: Uncertain significance for Hereditary cancer-predisposing syndrome. Last evaluated: 2022-09-01. Review status: criteria provided, single submitter. Criteria: Ambry Variant Classification Scheme 2023. Collection method: clinical testing. Allele origin: germline.
Comment: The p.L1088V variant (also known as c.3262C>G), located in coding exon 27 of the TSC2 gene, results from a C to G substitution at nucleotide position 3262. The leucine at codon 1088 is replaced by valine, an amino acid with highly similar properties. This amino acid position is well conserved in available vertebrate species. In addition, the in silico prediction for this alteration is inconclusive. Since supporting evidence is limited at this time, the clinical significance of this alteration remains unclear.

NM_000548.5(TSC2):c.3262C>G (p.Leu1088Val)

Gene: TSC2 (TSC complex subunit 2; plus strand). Cytogenetic location: 16p13.3.
Variant type: single nucleotide variant.
Coding change: c.3262C>G on transcript NM_000548.5 (MANE Select); coding-DNA position 3262, C replaced by G.
Protein change: p.Leu1088Val; replaces leucine 1088 with valine.
Molecular consequence: missense variant.
Genome position (GRCh38, 1-based): chr16:2,079,406, C>G. VCF-style: chr16-2079406-C-G. GRCh37 (hg19) VCF-style: chr16-2129407-C-G.
Other names: c.3022C>G, p.Leu1008Val (NM_001318827.2); c.2986C>G, p.Leu996Val (NM_001318829.2); c.2530C>G, p.Leu844Val (NM_001318831.2, NM_001406687.1, NM_001406688.1); c.3163C>G, p.Leu1055Val (NM_001318832.2); c.3133C>G, p.Leu1045Val (NM_001363528.2, NM_001370405.1, NM_021055.3); c.3130C>G, p.Leu1044Val (NM_001370404.1, NM_001077183.3, NM_001406665.1); c.3259C>G, p.Leu1087Val (NM_001406663.1, NM_001406664.1); c.2983C>G, p.Leu995Val (NM_001406679.1); and 18 more; short protein forms L1025V, L1040V, L1044V, L1045V, L1075V, L510V, L888V, L1038V.
Identifiers: ClinVar variation 1729546 (VCV001729546.3), dbSNP rs375934693, ClinGen allele CA045043.
Genomic context (GRCh38, chr16:2,079,406, plus strand): 5'-ACTGTGACGACAAGCGTGGGAACCGGGACCCGGTCGTTACTAGGCCTGGACTCGGGGGAG[C>G]TGCAGTCCGGCCCGGAGTCGAGGTGACTGCACCTTCCTTTCCTCCGCGCCTGCCAGCCTC-3'
Protein context (NP_000539.2, residues 1078-1098): RSLLGLDSGE[Leu1088Val]QSGPESSSSP